The following is an entry in ClinVar:

NM_014915.3(ANKRD26):c.92G>C (p.Gly31Ala)

Genes: ANKRD26 (ankyrin repeat domain 26; minus strand), LOC130003554 (ATAC-STARR-seq lymphoblastoid silent region 2243; plus strand). Cytogenetic location: 10p12.1.
Variant type: single nucleotide variant.
Coding change: c.92G>C on transcript NM_014915.3 (MANE Select); coding-DNA position 92, G replaced by C.
Protein change: p.Gly31Ala; replaces glycine 31 with alanine.
Molecular consequence: missense variant.
Genome position (GRCh38, 1-based): chr10:27,100,235, C>G on the plus strand (G>C on the coding strand, the complement: ANKRD26 is on the minus strand). VCF-style: chr10-27100235-C-G. GRCh37 (hg19) VCF-style: chr10-27389164-C-G.
Other names: p.Gly31Ala; c.92G>C, p.Gly31Ala (NM_001256053.2); short protein forms G31A.
Identifiers: ClinVar variation 434205 (VCV000434205.38), dbSNP rs199849785, ClinGen allele CA5449072.

ClinVar aggregate classification (germline): Conflicting classifications of pathogenicity. Review status: criteria provided, conflicting classifications (1 of 4 stars). 11 submissions from 11 submitters: Uncertain significance (1); Benign (3); Likely benign (5). 2 of the submissions do not count toward it. Last evaluated 2026-02-01.

Conditions:
ANKRD26-related disorder. Also called: ANKRD26-related condition.
Inborn genetic diseases. Identifiers: MedGen C0950123, MeSH D030342.
Thrombocytopenia 2 (THC2). Also called: ANKRD26-Related Thrombocytopenia. Identifiers: Orphanet 268322, MedGen C1861185, MONDO:0008555, OMIM 188000.

Allele frequency attached by ClinVar (database versions not stated): ExAC 0.00065; ESP Exome Variant Server 0.00117; 1000 Genomes Project 0.00160; 1000 Genomes Project 30x 0.00187; gnomAD 0.00190 and 0.00202; TOPMed 0.00230.

Submissions (11):

Labcorp Genetics (formerly Invitae), Labcorp
Classification: Benign. Last evaluated: 2026-02-01. Review status: criteria provided, single submitter. Criteria: Invitae Variant Classification Sherloc (09022015). Collection method: clinical testing. Allele origin: germline.

Mayo Clinic Laboratories, Mayo Clinic
Classification: Likely benign. Last evaluated: 2025-08-05. Review status: criteria provided, single submitter. Criteria: ACMG Guidelines, 2015. Collection method: clinical testing. Allele origin: germline. Observed: 2 variant alleles.
Comment: BS2, BP4_strong

Blueprint Genetics
Classification: Likely benign. Last evaluated: 2024-11-13. Review status: criteria provided, single submitter. Criteria: ACMG Guidelines, 2015. Collection method: clinical testing. Allele origin: germline.

CeGaT Center for Human Genetics Tuebingen
Classification: Likely benign. Last evaluated: 2024-11-01. Review status: criteria provided, single submitter. Criteria: CeGaT Center For Human Genetics Tuebingen Variant Classification Criteria Version 2. Collection method: clinical testing. Allele origin: germline. Affected: yes. Observed: 1 variant allele.
Comment: ANKRD26: BP4, BS1

Ambry Genetics
Classification: Uncertain significance for Inborn genetic diseases. Last evaluated: 2024-10-25. Review status: criteria provided, single submitter. Criteria: Ambry Variant Classification Scheme 2023. Collection method: clinical testing. Allele origin: germline.

Genome-Nilou Lab
Classification: Benign for Thrombocytopenia 2. Last evaluated: 2021-12-05. Review status: criteria provided, single submitter. Criteria: ACMG Guidelines, 2015. Collection method: clinical testing. Allele origin: germline. Affected: no.

Illumina Laboratory Services, Illumina
Classification: Benign for Thrombocytopenia 2. Last evaluated: 2018-01-12. Review status: criteria provided, single submitter. Criteria: ICSL Variant Classification Criteria 13 December 2019. Collection method: clinical testing. Allele origin: germline.
Comment: This variant was observed in the ICSL laboratory as part of a predisposition screen in an ostensibly healthy population. It had not been previously curated by ICSL or reported in the Human Gene Mutation Database (HGMD: prior to June 1st, 2018), and was therefore a candidate for classification through an automated scoring system. Utilizing variant allele frequency, disease prevalence and penetrance estimates, and inheritance mode, an automated score was calculated to assess if this variant is too frequent to cause the disease. Based on the score and internal cut-off values, a variant classified as benign is not then subjected to further curation. The score for this variant resulted in a classification of benign for this disease.

Genetic Services Laboratory, University of Chicago
Classification: Likely benign. Last evaluated: 2017-06-20. Review status: criteria provided, single submitter. Criteria: ACMG Guidelines, 2015. Collection method: clinical testing. Allele origin: germline. Affected: no.

Breakthrough Genomics
Classification: Likely benign. Review status: criteria provided, single submitter. Criteria: ACMG Guidelines, 2015. Collection method: not provided. Allele origin: germline. Inheritance: Autosomal dominant inheritance. Affected: yes.

PreventionGenetics, part of Exact Sciences
Classification: Benign for ANKRD26-related condition. Last evaluated: 2022-07-26. Review status: no assertion criteria provided. Collection method: clinical testing. Allele origin: germline. Not counted in ClinVar's aggregate classification.
Comment: This variant is classified as benign based on ACMG/AMP sequence variant interpretation guidelines (Richards et al. 2015 PMID: 25741868, with internal and published modifications).

Department of Pathology and Laboratory Medicine, Sinai Health System
Classification: Likely benign. Review status: no assertion criteria provided. Collection method: clinical testing. Allele origin: unknown. Affected: yes. Study: The Canadian Open Genetics Repository (COGR). Not counted in ClinVar's aggregate classification.
Comment: The ANKRD26 p.Gly31Ala variant was not identified in the literature nor was it identified in Cosmic or LOVD 3.0. The variant was identified in dbSNP (ID: rs199849785) and ClinVar (classified as likely benign by Genetic Services Laboratory, University of Chicago). The variant was identified in control databases in 211 of 277410 chromosomes (1 homozygous) at a frequency of 0.000761 increasing the likelihood this could be a low frequency benign variant (Genome Aggregation Database Feb 27, 2017). The variant was observed in the following populations: African in 185 of 23856 chromosomes (freq: 0.007755), Other in 3 of 7092 chromosomes (freq: 0.000423), Latino in 9 of 35314 chromosomes (freq: 0.000255), East Asian in 2 of 19418 chromosomes (freq: 0.000103) and European (non-Finnish) in 12 of 126830 chromosomes (freq: 0.000095), but not in the Ashkenazi Jewish, European (Finnish), and South Asian populations. The p.Gly31 residue is not conserved in mammals and four out of five computational analyses (PolyPhen-2, AlignGVGD, BLOSUM, MutationTaster) do not suggest a high likelihood of impact to the protein; however, this information is not predictive enough to rule out pathogenicity. The variant occurs outside of the splicing consensus sequence and in silico or computational prediction software programs (SpliceSiteFinder, MaxEntScan, NNSPLICE, GeneSplicer) do not predict a difference in splicing. In summary, based on the above information the clinical significance of this variant cannot be determined with certainty at this time although we would lean towards a more benign role for this variant. This variant is classified as likely benign.